The following is an entry in ClinVar:

NM_130837.3(OPA1):c.2938A>G (p.Ile980Val)

Gene: OPA1 (OPA1 mitochondrial dynamin like GTPase; plus strand). Cytogenetic location: 3q29.
Variant type: single nucleotide variant.
Coding change: c.2938A>G on transcript NM_130837.3 (MANE Select); coding-DNA position 2938, A replaced by G.
Protein change: p.Ile980Val; replaces isoleucine 980 with valine.
Molecular consequence: missense variant.
Genome position (GRCh38, 1-based): chr3:193,667,235, A>G. VCF-style: chr3-193667235-A-G. GRCh37 (hg19) VCF-style: chr3-193385024-A-G.
Other names: c.2404A>G, p.Ile802Val (NM_001354663.2); c.2401A>G, p.Ile801Val (NM_001354664.2); c.2773A>G, p.Ile925Val (NM_015560.3); c.2665A>G, p.Ile889Val (NM_130831.3); c.2719A>G, p.Ile907Val (NM_130832.3); c.2776A>G, p.Ile926Val (NM_130833.3); c.2827A>G, p.Ile943Val (NM_130834.3); c.2830A>G, p.Ile944Val (NM_130835.3); and 1 more; short protein forms I925V, I943V, I944V, I801V, I889V, I962V, I980V, I802V.
Identifiers: ClinVar variation 1345958 (VCV001345958.8), dbSNP rs1716777737, ClinGen allele CA355797579.

ClinVar aggregate classification (germline): Uncertain significance (1 of 4 stars; one submission).

Allele frequency attached by ClinVar (database versions not stated): TOPMed below 0.00001; gnomAD 0.00001.
gnomAD v4.1: 1 of 1,608,022 alleles (0.000062%); highest among the groups gnomAD compares: African/African-American, 0.0013%; no homozygotes.

Submission:

Labcorp Genetics (formerly Invitae), Labcorp
Classification: Uncertain significance. Last evaluated: 2021-04-16. Review status: criteria provided, single submitter. Criteria: Invitae Variant Classification Sherloc (09022015). Collection method: clinical testing. Allele origin: germline.
Comment: Algorithms developed to predict the effect of sequence changes on RNA splicing suggest that this variant may create or strengthen a splice site, but this prediction has not been confirmed by published transcriptional studies. In summary, the available evidence is currently insufficient to determine the role of this variant in disease. Therefore, it has been classified as a Variant of Uncertain Significance. Advanced modeling of protein sequence and biophysical properties (such as structural, functional, and spatial information, amino acid conservation, physicochemical variation, residue mobility, and thermodynamic stability) performed at Invitae indicates that this missense variant is not expected to disrupt OPA1 protein function. This variant has not been reported in the literature in individuals with OPA1-related conditions. This variant is not present in population databases (ExAC no frequency). This sequence change replaces isoleucine with valine at codon 925 of the OPA1 protein (p.Ile925Val). The isoleucine residue is weakly conserved and there is a small physicochemical difference between isoleucine and valine.